The following is an entry in ClinVar:

NM_015570.4(AUTS2):c.1999G>A (p.Val667Ile)

Gene: AUTS2 (activator of transcription and developmental regulator AUTS2; plus strand). Cytogenetic location: 7q11.22.
Variant type: single nucleotide variant.
Coding change: c.1999G>A on transcript NM_015570.4 (MANE Select); coding-DNA position 1999, G replaced by A.
Protein change: p.Val667Ile; replaces valine 667 with isoleucine.
Molecular consequence: missense variant.
Genome position (GRCh38, 1-based): chr7:70,777,169, G>A. VCF-style: chr7-70777169-G-A. GRCh37 (hg19) VCF-style: chr7-70242155-G-A.
Other names: c.1999G>A (NM_015570.2); c.1927G>A, p.Val643Ile (NM_001127231.3); short protein forms V643I, V667I.
Identifiers: ClinVar variation 2576098 (VCV002576098.21), dbSNP rs959384891, ClinGen allele CA160034317.
Genomic context (GRCh38, chr7:70,777,169, plus strand): 5'-GGGAAGTGGTGTGCTATGCATGTTCACATCGCCTGGCAGATTTACCACCACCAACAGAAA[G>A]TCAAGGTCAGTCCGACCTTCGTGGTGTAGGGAAGAATGGGATGCACATGTGAGTGTGTGA-3'
Protein context (NP_056385.1, residues 657-677): AWQIYHHQQK[Val667Ile]KKQMQSDPHK

ClinVar aggregate classification (germline): Conflicting classifications of pathogenicity. Review status: criteria provided, conflicting classifications (1 of 4 stars). 4 submissions from 4 submitters: Uncertain significance (2); Benign (1); Likely benign (1). Last evaluated 2024-12-01.

Conditions:
Inborn genetic diseases. Identifiers: MedGen C0950123, MeSH D030342.

Allele frequency attached by ClinVar (database versions not stated): gnomAD 0.00001; gnomAD exomes 0.00001; TOPMed 0.00001.
gnomAD v4.1: 14 of 1,614,050 alleles (0.00087%); highest among the groups gnomAD compares: East Asian, 0.0067%; no homozygotes.

Submissions (4):

CeGaT Center for Human Genetics Tuebingen
Classification: Likely benign. Last evaluated: 2024-12-01. Review status: criteria provided, single submitter. Criteria: CeGaT Center For Human Genetics Tuebingen Variant Classification Criteria Version 2. Collection method: clinical testing. Allele origin: germline. Affected: yes. Observed: 2 variant alleles.
Comment: AUTS2: BS1

Ambry Genetics
Classification: Uncertain significance for Inborn genetic diseases. Last evaluated: 2024-01-31. Review status: criteria provided, single submitter. Criteria: Ambry Variant Classification Scheme 2023. Collection method: clinical testing. Allele origin: germline.

Labcorp Genetics (formerly Invitae), Labcorp
Classification: Benign. Last evaluated: 2023-10-13. Review status: criteria provided, single submitter. Criteria: Invitae Variant Classification Sherloc (09022015). Collection method: clinical testing. Allele origin: germline.

Institute for Clinical Genetics, University Hospital TU Dresden, University Hospital TU Dresden
Classification: Uncertain significance. Last evaluated: 2023-03-10. Review status: criteria provided, single submitter. Criteria: ACMG Guidelines, 2015. Collection method: clinical testing. Allele origin: paternal.
Comment: PM2_SUP, BP4